The following is an entry in ClinVar:

NM_000264.5(PTCH1):c.65G>T (p.Gly22Val)

Genes: PTCH1 (patched 1; minus strand), LOC130002133 (ATAC-STARR-seq lymphoblastoid silent region 20071; plus strand). Cytogenetic location: 9q22.32.
Variant type: single nucleotide variant.
Coding change: c.65G>T on transcript NM_000264.5 (MANE Select); coding-DNA position 65, G replaced by T.
Protein change: p.Gly22Val; replaces glycine 22 with valine.
Molecular consequence: missense variant. On other transcripts: non-coding transcript variant (1), intron variant (3).
Genome position (GRCh38, 1-based): chr9:95,508,297, C>A on the plus strand (G>T on the coding strand, the complement: PTCH1 is on the minus strand). VCF-style: chr9-95508297-C-A. GRCh37 (hg19) VCF-style: chr9-98270579-C-A.
Other names: c.65G>T, p.Gly22Val (NM_001354918.2); c.199-1698G>T (NM_001083603.3); c.4-1698G>T (NM_001083602.3, NM_001354919.2); c.65G>T (NM_000264.3); short protein forms G22V.
Identifiers: ClinVar variation 1346555 (VCV001346555.9), dbSNP rs575700967, ClinGen allele CA374121484.

ClinVar aggregate classification (germline): Uncertain significance. Review status: criteria provided, multiple submitters, no conflicts (2 of 4 stars). 2 submissions from 2 submitters: Uncertain significance (2). Last evaluated 2025-02-03.

Conditions:
Hereditary cancer-predisposing syndrome. Also called: Hereditary Cancer Syndrome; Neoplastic Syndromes, Hereditary; Tumor predisposition; Hereditary neoplastic syndrome. Identifiers: Orphanet 140162, MedGen C0027672, MeSH D009386, MONDO:0015356.
Gorlin syndrome. Also called: Basal cell nevus syndrome; Nevoid Basal Cell Carcinoma Syndrome. Identifiers: Orphanet 377, MedGen C0004779, MONDO:0007187.

Submissions (2):

Ambry Genetics
Classification: Uncertain significance for Hereditary cancer-predisposing syndrome. Last evaluated: 2025-02-03. Review status: criteria provided, single submitter. Criteria: Ambry Variant Classification Scheme 2023. Collection method: clinical testing. Allele origin: germline.
Comment: The p.G22V variant (also known as c.65G>T), located in coding exon 1 of the PTCH1 gene, results from a G to T substitution at nucleotide position 65. The glycine at codon 22 is replaced by valine, an amino acid with dissimilar properties. This amino acid position is conserved. In addition, this alteration is predicted to be tolerated by in silico analysis. Based on the available evidence, the clinical significance of this variant remains unclear.

Labcorp Genetics (formerly Invitae), Labcorp
Classification: Uncertain significance for Gorlin syndrome. Last evaluated: 2021-07-09. Review status: criteria provided, single submitter. Criteria: Invitae Variant Classification Sherloc (09022015). Collection method: clinical testing. Allele origin: germline.
Comment: This sequence change replaces glycine with valine at codon 22 of the PTCH1 protein (p.Gly22Val). The glycine residue is weakly conserved and there is a moderate physicochemical difference between glycine and valine. The frequency data for this variant in the population databases is considered unreliable, as metrics indicate insufficient coverage at this position in the ExAC database. This variant has not been reported in the literature in individuals with PTCH1-related conditions. Advanced modeling of protein sequence and biophysical properties (such as structural, functional, and spatial information, amino acid conservation, physicochemical variation, residue mobility, and thermodynamic stability) performed at Invitae indicates that this missense variant is not expected to disrupt PTCH1 protein function. In summary, the available evidence is currently insufficient to determine the role of this variant in disease. Therefore, it has been classified as a Variant of Uncertain Significance.